The following is an entry in ClinVar:

ClinVar aggregate classification (germline): Uncertain significance. Review status: criteria provided, multiple submitters, no conflicts (2 of 4 stars). 2 submissions from 2 submitters: Uncertain significance (2). Last evaluated 2025-11-13.

Conditions:
Intellectual disability, autosomal recessive 53 (NEDHSCA). Also called: NEURODEVELOPMENTAL DISORDER WITH OR WITHOUT HYPOTONIA, SEIZURES, AND CEREBELLAR ATROPHY; GLYCOSYLPHOSPHATIDYLINOSITOL BIOSYNTHESIS DEFECT 13; Mental retardation, autosomal recessive 53. Identifiers: Orphanet 488635, MedGen C4310794, MONDO:0014832, OMIM 616917.
Inborn genetic diseases. Identifiers: MedGen C0950123, MeSH D030342.

Allele frequency attached by ClinVar (database versions not stated): gnomAD exomes 0.00001; TOPMed 0.00003; gnomAD 0.00001.
gnomAD v4.1: 5 of 1,613,354 alleles (0.00031%); highest among the groups gnomAD compares: African/African-American, 0.0027%; no homozygotes.

Submissions (2):

Ambry Genetics
Classification: Uncertain significance for Inborn genetic diseases. Last evaluated: 2025-11-13. Review status: criteria provided, single submitter. Criteria: Ambry Variant Classification Scheme 2023. Collection method: clinical testing. Allele origin: germline.

Labcorp Genetics (formerly Invitae), Labcorp
Classification: Uncertain significance for Intellectual disability, autosomal recessive 53. Last evaluated: 2024-05-29. Review status: criteria provided, single submitter. Criteria: Invitae Variant Classification Sherloc (09022015). Collection method: clinical testing. Allele origin: germline.
Comment: This sequence change replaces valine, which is neutral and non-polar, with isoleucine, which is neutral and non-polar, at codon 782 of the PIGG protein (p.Val782Ile). This variant is present in population databases (no rsID available, gnomAD 0.004%). This variant has not been reported in the literature in individuals affected with PIGG-related conditions. ClinVar contains an entry for this variant (Variation ID: 838389). Advanced modeling of protein sequence and biophysical properties (such as structural, functional, and spatial information, amino acid conservation, physicochemical variation, residue mobility, and thermodynamic stability) performed at Invitae indicates that this missense variant is not expected to disrupt PIGG protein function with a negative predictive value of 80%. In summary, the available evidence is currently insufficient to determine the role of this variant in disease. Therefore, it has been classified as a Variant of Uncertain Significance.

NM_001127178.3(PIGG):c.2344G>A (p.Val782Ile)

Gene: PIGG (phosphatidylinositol glycan anchor biosynthesis class G (EMM blood group); plus strand). Cytogenetic location: 4p16.3.
Variant type: single nucleotide variant.
Coding change: c.2344G>A on transcript NM_001127178.3 (MANE Select); coding-DNA position 2344, G replaced by A.
Protein change: p.Val782Ile; replaces valine 782 with isoleucine.
Molecular consequence: missense variant. On other transcripts: non-coding transcript variant (6).
Genome position (GRCh38, 1-based): chr4:530,518, G>A. VCF-style: chr4-530518-G-A. GRCh37 (hg19) VCF-style: chr4-524307-G-A.
Other names: c.2077G>A, p.Val693Ile (NM_001289051.2, NM_001345986.2); c.1945G>A, p.Val649Ile (NM_001289052.2); c.2053G>A, p.Val685Ile (NM_001345987.2); c.1315G>A, p.Val439Ile (NM_001345988.2); c.811G>A, p.Val271Ile (NM_001345990.2, NM_001345991.2); c.1246G>A, p.Val416Ile (NM_001345994.2); c.2320G>A, p.Val774Ile (NM_017733.5); c.2344G>A (NM_001127178.1); short protein forms V774I, V271I, V439I, V649I, V782I, V416I, V685I, V693I.
Identifiers: ClinVar variation 838389 (VCV000838389.10), dbSNP rs1481096490, ClinGen allele CA355909850.